The following is an entry in ClinVar:

ClinVar aggregate classification (germline): Uncertain significance. Review status: criteria provided, multiple submitters, no conflicts (2 of 4 stars). 2 submissions from 2 submitters: Uncertain significance (2). Last evaluated 2024-05-29.

Conditions:
Inborn genetic diseases. Identifiers: MedGen C0950123, MeSH D030342.

Allele frequency attached by ClinVar (database versions not stated): TOPMed below 0.00001; gnomAD exomes 0.00001; gnomAD 0.00002.
gnomAD v4.1: 14 of 1,209,205 alleles (0.0012%); highest among the groups gnomAD compares: South Asian, 0.0018%; no homozygotes.

Submissions (2):

Labcorp Genetics (formerly Invitae), Labcorp
Classification: Uncertain significance. Last evaluated: 2024-05-29. Review status: criteria provided, single submitter. Criteria: Invitae Variant Classification Sherloc (09022015). Collection method: clinical testing. Allele origin: germline.
Comment: This sequence change replaces aspartic acid, which is acidic and polar, with asparagine, which is neutral and polar, at codon 308 of the ALAS2 protein (p.Asp308Asn). This variant is present in population databases (no rsID available, gnomAD 0.001%). This variant has not been reported in the literature in individuals affected with ALAS2-related conditions. ClinVar contains an entry for this variant (Variation ID: 1463262). Advanced modeling of protein sequence and biophysical properties (such as structural, functional, and spatial information, amino acid conservation, physicochemical variation, residue mobility, and thermodynamic stability) performed at Invitae indicates that this missense variant is not expected to disrupt ALAS2 protein function with a negative predictive value of 95%. In summary, the available evidence is currently insufficient to determine the role of this variant in disease. Therefore, it has been classified as a Variant of Uncertain Significance.

Ambry Genetics
Classification: Uncertain significance for Inborn genetic diseases. Last evaluated: 2022-01-04. Review status: criteria provided, single submitter. Criteria: Ambry Variant Classification Scheme 2023. Collection method: clinical testing. Allele origin: germline.

NM_000032.5(ALAS2):c.922G>A (p.Asp308Asn)

Gene: ALAS2 (5'-aminolevulinate synthase 2; minus strand). Cytogenetic location: Xp11.21.
Variant type: single nucleotide variant.
Coding change: c.922G>A on transcript NM_000032.5 (MANE Select); coding-DNA position 922, G replaced by A.
Protein change: p.Asp308Asn; replaces aspartic acid 308 with asparagine.
Molecular consequence: missense variant.
Genome position (GRCh38, 1-based): chrX:55,017,567, C>T on the plus strand (G>A on the coding strand, the complement: ALAS2 is on the minus strand). VCF-style: chrX-55017567-C-T. GRCh37 (hg19) VCF-style: chrX-55044000-C-T.
Other names: c.922G>A (NM_000032.4); c.811G>A, p.Asp271Asn (NM_001037967.4); c.883G>A, p.Asp295Asn (NM_001037968.4); short protein forms D295N, D308N, D271N.
Identifiers: ClinVar variation 1463262 (VCV001463262.9), dbSNP rs956102453, ClinGen allele CA328972068.